The following is an entry in ClinVar:

ClinVar aggregate classification (germline): Uncertain significance (1 of 4 stars; one submission).

Conditions:
Lysinuric protein intolerance (LPI). Identifiers: Orphanet 470, MedGen C0268647, MONDO:0009109, OMIM 222700.

Allele frequency attached by ClinVar (database versions not stated): gnomAD 0.00001.
gnomAD v4.1: 17 of 1,614,092 alleles (0.0011%); highest among the groups gnomAD compares: African/African-American, 0.0027%; no homozygotes.

Submission:

Labcorp Genetics (formerly Invitae), Labcorp
Classification: Uncertain significance for Lysinuric protein intolerance. Last evaluated: 2022-08-10. Review status: criteria provided, single submitter. Criteria: Invitae Variant Classification Sherloc (09022015). Collection method: clinical testing. Allele origin: germline.
Comment: This sequence change replaces isoleucine, which is neutral and non-polar, with threonine, which is neutral and polar, at codon 447 of the SLC7A7 protein (p.Ile447Thr). This variant is present in population databases (no rsID available, gnomAD 0.0009%). This variant has not been reported in the literature in individuals affected with SLC7A7-related conditions. ClinVar contains an entry for this variant (Variation ID: 1485750). Algorithms developed to predict the effect of missense changes on protein structure and function are either unavailable or do not agree on the potential impact of this missense change (SIFT: "Deleterious"; PolyPhen-2: "Benign"; Align-GVGD: "Class C15"). In summary, the available evidence is currently insufficient to determine the role of this variant in disease. Therefore, it has been classified as a Variant of Uncertain Significance.

NM_003982.4(SLC7A7):c.1340T>C (p.Ile447Thr)

Gene: SLC7A7 (solute carrier family 7 member 7; minus strand). Cytogenetic location: 14q11.2.
Variant type: single nucleotide variant.
Coding change: c.1340T>C on transcript NM_003982.4 (MANE Select); coding-DNA position 1340, T replaced by C.
Protein change: p.Ile447Thr; replaces isoleucine 447 with threonine.
Molecular consequence: missense variant.
Genome position (GRCh38, 1-based): chr14:22,774,022, A>G on the plus strand (T>C on the coding strand, the complement: SLC7A7 is on the minus strand). VCF-style: chr14-22774022-A-G. GRCh37 (hg19) VCF-style: chr14-23243231-A-G.
Other names: c.1340T>C, p.Ile447Thr (NM_001126105.3, NM_001126106.4); short protein forms I447T.
Identifiers: ClinVar variation 1485750 (VCV001485750.5), dbSNP rs1459950013, ClinGen allele CA388921243.